The following is an entry in ClinVar:

NM_052897.4(MBD6):c.1078C>T (p.Arg360Cys)

Gene: MBD6 (methyl-CpG binding domain protein 6; plus strand). Cytogenetic location: 12q13.3.
Variant type: single nucleotide variant.
Coding change: c.1078C>T on transcript NM_052897.4 (MANE Select); coding-DNA position 1078, C replaced by T.
Protein change: p.Arg360Cys; replaces arginine 360 with cysteine.
Molecular consequence: missense variant.
Genome position (GRCh38, 1-based): chr12:57,526,046, C>T. VCF-style: chr12-57526046-C-T. GRCh37 (hg19) VCF-style: chr12-57919829-C-T.
Other names: short protein forms R360C.
Identifiers: ClinVar variation 790661 (VCV000790661.6), dbSNP rs77189304, ClinGen allele CA6651393.
Genomic context (GRCh38, chr12:57,526,046, plus strand): 5'-ACTTTACAGGGCCGAAGGCCCCGTGCCCAGGCACCCTCAGCTTCCCACTCCTCATCACTT[C>T]GTCCCTCTCAGCGTCGTCCCCGCAGACCCCCTACTGTATTTCGATTGCTAGAAGGGAGAG-3'
Protein context (NP_443129.3, residues 350-370): APSASHSSSL[Arg360Cys]PSQRRPRRPP

ClinVar aggregate classification (germline): Benign. Review status: criteria provided, single submitter (1 of 4 stars). 2 submissions from 2 submitters: Benign (1). 1 of the submissions does not count toward it. Last evaluated 2019-12-31.

Conditions:
MBD6-related disorder. Also called: MBD6-related condition.

Allele frequency attached by ClinVar (database versions not stated): ExAC 0.00138; 1000 Genomes Project 30x 0.00390; 1000 Genomes Project 0.00399; gnomAD 0.00403 and 0.00435; ESP Exome Variant Server 0.00461; TOPMed 0.00461.

Submissions (2):

Labcorp Genetics (formerly Invitae), Labcorp
Classification: Benign. Last evaluated: 2019-12-31. Review status: criteria provided, single submitter. Criteria: Invitae Variant Classification Sherloc (09022015). Collection method: clinical testing. Allele origin: germline.

PreventionGenetics, part of Exact Sciences
Classification: Benign for MBD6-related condition. Last evaluated: 2019-12-23. Review status: no assertion criteria provided. Collection method: clinical testing. Allele origin: germline. Not counted in ClinVar's aggregate classification.
Comment: This variant is classified as benign based on ACMG/AMP sequence variant interpretation guidelines (Richards et al. 2015 PMID: 25741868, with internal and published modifications).